The following is an entry in ClinVar:

NM_017433.5(MYO3A):c.4586+1G>A

Gene: MYO3A (myosin IIIA; plus strand). Cytogenetic location: 10p12.1.
Variant type: single nucleotide variant.
Coding change: c.4586+1G>A on transcript NM_017433.5 (MANE Select); the canonical splice donor site of the intron after coding-DNA position 4586, G replaced by A.
Molecular consequence: splice donor variant.
Genome position (GRCh38, 1-based): chr10:26,201,306, G>A. VCF-style: chr10-26201306-G-A. GRCh37 (hg19) VCF-style: chr10-26490235-G-A.
Identifiers: ClinVar variation 4687521 (VCV004687521.1).

ClinVar aggregate classification (germline): Likely pathogenic (1 of 4 stars; one submission).

Conditions:
Autosomal recessive nonsyndromic hearing loss 30. Identifiers: Orphanet 90636, MedGen C1846784, MONDO:0011774, OMIM 607101.

Submission:

Women's Health and Genetics/Laboratory Corporation of America, LabCorp
Classification: Likely pathogenic for Autosomal recessive nonsyndromic hearing loss 30. Last evaluated: 2025-10-07. Review status: criteria provided, single submitter. Criteria: LabCorp Variant Classification Summary - May 2015. Collection method: clinical testing. Allele origin: germline.
Comment: Variant summary: MYO3A c.4586+1G>A is located in a canonical splice-site and is predicted to affect mRNA splicing resulting in a significantly altered protein due to either exon skipping, shortening, or inclusion of intronic material. Variants that disrupt the consensus splice site are a relatively common cause of aberrant splicing and loss of MYO3A function. The variant was absent in 236136 control chromosomes. To our knowledge, no occurrence of c.4586+1G>A in individuals affected with MYO3A-related conditions and no experimental evidence demonstrating its impact on protein function have been reported. No submitters have cited clinical-significance assessments for this variant to ClinVar. Based on the evidence outlined above, the variant was classified as likely pathogenic.